The following is an entry in ClinVar:

NM_001276309.3(NOL3):c.185T>C (p.Leu62Pro)

Gene: NOL3 (nucleolar protein 3; plus strand). Cytogenetic location: 16q22.1.
Variant type: single nucleotide variant.
Coding change: c.185T>C on transcript NM_001276309.3 (MANE Select); coding-DNA position 185, T replaced by C.
Protein change: p.Leu62Pro; replaces leucine 62 with proline.
Molecular consequence: missense variant. On other transcripts: intron variant (4).
Genome position (GRCh38, 1-based): chr16:67,174,354, T>C. VCF-style: chr16-67174354-T-C. GRCh37 (hg19) VCF-style: chr16-67208257-T-C.
Other names: c.185T>C, p.Leu62Pro (NM_001185057.3, NM_001276307.3, NM_001276312.3 and 5 more transcripts); c.171+14T>C (NM_001394975.1, NM_001394976.1, NM_001394974.1 and 1 more transcripts); c.185T>C (NM_001276312.1); short protein forms L62P.
Identifiers: ClinVar variation 4930430 (VCV004930430.2).

ClinVar aggregate classification (germline): Likely benign. Review status: criteria provided, multiple submitters, no conflicts (2 of 4 stars). 2 submissions from 2 submitters: Likely benign (2). Last evaluated 2025-12-09.

Conditions:
NOL3-related disorder. Also called: NOL3-related condition.

gnomAD v4.1: 1,207 of 1,585,608 alleles (0.076%); highest among the groups gnomAD compares: Middle Eastern, 0.81%; 3 homozygotes.

Submissions (2):

PreventionGenetics, part of Exact Sciences
Classification: Likely benign for NOL3-related condition. Last evaluated: 2025-12-09. Review status: criteria provided, single submitter. Criteria: ACMG Guidelines, 2015. Collection method: clinical testing. Allele origin: germline.
Comment: This variant is classified as likely benign based on ACMG/AMP sequence variant interpretation guidelines (Richards et al. 2015 PMID: 25741868, with internal and published modifications).

Blueprint Genetics
Classification: Likely benign. Last evaluated: 2024-11-13. Review status: criteria provided, single submitter. Criteria: ACMG Guidelines, 2015. Collection method: clinical testing. Allele origin: germline.